The following is an entry in ClinVar:

ClinVar aggregate classification (germline): Pathogenic/Likely pathogenic. Review status: criteria provided, multiple submitters, no conflicts (2 of 4 stars). 2 submissions from 2 submitters: Pathogenic (1); Likely pathogenic (1). Last evaluated 2025-12-19.

Conditions:
Mitochondrial DNA depletion syndrome, hepatocerebral form. Identifiers: Orphanet 254871, MedGen C3711385, MONDO:0100512.
Mitochondrial DNA depletion syndrome 6 (hepatocerebral type). Also called: NAVAJO NEUROPATHY; Navajo neurohepatopathy; Mitochondrial DNA depletion syndrome type 6. Identifiers: Orphanet 255229, MedGen C1850406, MONDO:0009747, OMIM 256810.

Allele frequency attached by ClinVar (database versions not stated): TOPMed below 0.00001.

Submissions (2):

Natera, Inc.
Classification: Likely pathogenic for Mitochondrial DNA depletion syndrome, hepatocerebral form. Last evaluated: 2025-12-19. Review status: criteria provided, single submitter. Criteria: Natera Variant Classification Schema (03/2026). Collection method: clinical testing. Allele origin: germline.
Comment: The c.376-1G>A variant in MPV17 is a canonical splice acceptor site variant predicted to affect pre-mRNA splicing, which may result in an abnormal transcript and altered protein product. This variant may result in a truncated or dysfunctional protein product. This variant is rare in the general population with a frequency below the threshold expected for the associated phenotype(s). This variant has been observed in one or more individuals affected with the associated recessive disease, as either homozygous or compound heterozygous with a second variant (PMID: 29282788, 26741492). Given the available evidence, this variant is classified as Likely Pathogenic.

Wong Mito Lab, Molecular and Human Genetics, Baylor College of Medicine
Classification: Pathogenic for Mitochondrial DNA depletion syndrome 6. Last evaluated: 2017-12-01. Review status: criteria provided, single submitter. Criteria: ACMG Guidelines, 2015. Collection method: clinical testing. Allele origin: germline. Affected: yes.

Literature cited by the submitters: PubMed 29282788 (cited by Natera, Inc.); PubMed 26741492 (cited by Natera, Inc.).

NM_002437.5(MPV17):c.376-1G>A

Gene: MPV17 (mitochondrial inner membrane protein MPV17; minus strand). Cytogenetic location: 2p23.3.
Variant type: single nucleotide variant.
Coding change: c.376-1G>A on transcript NM_002437.5 (MANE Select); the canonical splice acceptor site of the intron before coding-DNA position 376, G replaced by A.
Molecular consequence: splice acceptor variant.
Genome position (GRCh38, 1-based): chr2:27,312,247, C>T on the plus strand (G>A on the coding strand, the complement: MPV17 is on the minus strand). VCF-style: chr2-27312247-C-T. GRCh37 (hg19) VCF-style: chr2-27535115-C-T.
Identifiers: ClinVar variation 522376 (VCV000522376.2), dbSNP rs1423840146, ClinGen allele CA346207630.